The following is an entry in ClinVar:

ClinVar aggregate classification (germline): Uncertain significance. Review status: criteria provided, multiple submitters, no conflicts (2 of 4 stars). 2 submissions from 2 submitters: Uncertain significance (2). Last evaluated 2024-04-15.

Conditions:
Developmental and epileptic encephalopathy, 32 (DEE32). Also called: Epileptic encephalopathy, early infantile, 32. Identifiers: Orphanet 442835, MedGen C4225350, MONDO:0014607, OMIM 616366.

Allele frequency attached by ClinVar (database versions not stated): gnomAD exomes below 0.00001.
gnomAD v4.1: 1 of 1,614,060 alleles (0.000062%); highest among the groups gnomAD compares: Non-Finnish European, 0.000085%; no homozygotes.

Submissions (2):

Labcorp Genetics (formerly Invitae), Labcorp
Classification: Uncertain significance for Developmental and epileptic encephalopathy, 32. Last evaluated: 2024-04-15. Review status: criteria provided, single submitter. Criteria: Invitae Variant Classification Sherloc (09022015). Collection method: clinical testing. Allele origin: germline.
Comment: This sequence change replaces proline, which is neutral and non-polar, with leucine, which is neutral and non-polar, at codon 382 of the KCNA2 protein (p.Pro382Leu). This variant is present in population databases (rs777008812, gnomAD 0.0009%). This variant has not been reported in the literature in individuals affected with KCNA2-related conditions. ClinVar contains an entry for this variant (Variation ID: 579198). Advanced modeling of protein sequence and biophysical properties (such as structural, functional, and spatial information, amino acid conservation, physicochemical variation, residue mobility, and thermodynamic stability) performed at Invitae indicates that this missense variant is expected to disrupt KCNA2 protein function with a positive predictive value of 80%. In summary, the available evidence is currently insufficient to determine the role of this variant in disease. Therefore, it has been classified as a Variant of Uncertain Significance.

GeneDx
Classification: Uncertain significance. Last evaluated: 2021-04-05. Review status: criteria provided, single submitter. Criteria: GeneDx Variant Classification Process June 2021. Collection method: clinical testing. Allele origin: germline. Affected: yes.
Comment: In silico analysis, which includes protein predictors and evolutionary conservation, supports a deleterious effect; Has not been previously published as pathogenic or benign to our knowledge

NM_004974.4(KCNA2):c.1145C>T (p.Pro382Leu)

Gene: KCNA2 (potassium voltage-gated channel subfamily A member 2; minus strand). Cytogenetic location: 1p13.3.
Variant type: single nucleotide variant.
Coding change: c.1145C>T on transcript NM_004974.4 (MANE Select); coding-DNA position 1145, C replaced by T.
Protein change: p.Pro382Leu; replaces proline 382 with leucine.
Molecular consequence: missense variant. On other transcripts: intron variant (1).
Genome position (GRCh38, 1-based): chr1:110,603,638, G>A on the plus strand (C>T on the coding strand, the complement: KCNA2 is on the minus strand). VCF-style: chr1-110603638-G-A. GRCh37 (hg19) VCF-style: chr1-111146260-G-A.
Other names: c.894+251C>T (NM_001204269.2); short protein forms P382L.
Identifiers: ClinVar variation 579198 (VCV000579198.8), dbSNP rs777008812, ClinGen allele CA28808695.